The following is an entry in ClinVar:

NM_001009944.3(PKD1):c.4941C>T (p.Asn1647=)

Gene: PKD1 (polycystin 1, transient receptor potential channel interacting; minus strand). Cytogenetic location: 16p13.3.
Variant type: single nucleotide variant.
Coding change: c.4941C>T on transcript NM_001009944.3 (MANE Select); coding-DNA position 4941, C replaced by T.
Protein change: p.Asn1647=; no amino-acid change (asparagine 1647 retained).
Molecular consequence: synonymous variant.
Genome position (GRCh38, 1-based): chr16:2,110,226, G>A on the plus strand (C>T on the coding strand, the complement: PKD1 is on the minus strand). VCF-style: chr16-2110226-G-A. GRCh37 (hg19) VCF-style: chr16-2160227-G-A.
Other names: c.4941C>T, p.Asn1647= (NM_000296.4).
Identifiers: ClinVar variation 3030117 (VCV003030117.2), dbSNP rs572889542, ClinGen allele CA7832185.

ClinVar aggregate classification (germline): Likely benign (0 of 4 stars; one submission).

Conditions:
PKD1-related disorder. Also called: PKD1-related condition.

Allele frequency attached by ClinVar (database versions not stated): gnomAD exomes 0.00003; ExAC 0.00012; 1000 Genomes Project 30x 0.00016; 1000 Genomes Project 0.00020.
gnomAD v4.1: 60 of 1,612,118 alleles (0.0037%); highest among the groups gnomAD compares: East Asian, 0.13%; no homozygotes.

Submission:

PreventionGenetics, part of Exact Sciences
Classification: Likely benign for PKD1-related condition. Last evaluated: 2020-11-30. Review status: no assertion criteria provided. Collection method: clinical testing. Allele origin: germline.
Comment: This variant is classified as likely benign based on ACMG/AMP sequence variant interpretation guidelines (Richards et al. 2015 PMID: 25741868, with internal and published modifications).